The following is an entry in ClinVar:

NM_001277115.2(DNAH11):c.470G>A (p.Gly157Glu)

Gene: DNAH11 (dynein axonemal heavy chain 11; plus strand). Cytogenetic location: 7p15.3.
Variant type: single nucleotide variant.
Coding change: c.470G>A on transcript NM_001277115.2 (MANE Select); coding-DNA position 470, G replaced by A.
Protein change: p.Gly157Glu; replaces glycine 157 with glutamic acid.
Molecular consequence: missense variant.
Genome position (GRCh38, 1-based): chr7:21,545,124, G>A. VCF-style: chr7-21545124-G-A. GRCh37 (hg19) VCF-style: chr7-21584742-G-A.
Other names: short protein forms G157E.
Identifiers: ClinVar variation 163093 (VCV000163093.24), dbSNP rs185011953, ClinGen allele CA175698.
Genomic context (GRCh38, chr7:21,545,124, plus strand): 5'-TTGGAGTAAATGACTTTTCTCAAGTGGTTTTATTTGGAGAGTTACCTGCGTTGTCTCTTG[G>A]ACATGTATCTGCTTTCCTTGATGAGGTACTGGTCTGTCTTTAATATTTAAAGCTTTCACT-3'
Protein context (NP_001264044.1, residues 147-167): LFGELPALSL[Gly157Glu]HVSAFLDEIL

ClinVar aggregate classification (germline): Conflicting classifications of pathogenicity. Review status: criteria provided, conflicting classifications (1 of 4 stars). 6 submissions from 6 submitters: Uncertain significance (3); Likely benign (3). Last evaluated 2026-04-17.

Conditions:
DNAH11-related disorder. Also called: DNAH11-related condition.
Primary ciliary dyskinesia. Also called: Ciliary dyskinesia. Identifiers: Orphanet 244, MedGen C0008780, MONDO:0016575, HP:0012265.
Primary ciliary dyskinesia 7. Also called: CILIARY DYSKINESIA, PRIMARY, 7, WITH OR WITHOUT SITUS INVERSUS. Identifiers: Orphanet 244, MedGen C2678473, MONDO:0012748, OMIM 611884.

Allele frequency attached by ClinVar (database versions not stated): gnomAD exomes 0.00020; ESP Exome Variant Server 0.00059; TOPMed 0.00076; gnomAD 0.00079 and 0.00081; 1000 Genomes Project 0.00140; 1000 Genomes Project 30x 0.00141.

Submissions (6):

PreventionGenetics, part of Exact Sciences
Classification: Likely benign for DNAH11-related condition. Last evaluated: 2026-04-17. Review status: criteria provided, single submitter. Criteria: ACMG Guidelines, 2015. Collection method: clinical testing. Allele origin: germline.
Comment: This variant is classified as likely benign based on ACMG/AMP sequence variant interpretation guidelines (Richards et al. 2015 PMID: 25741868, with internal and published modifications).

Labcorp Genetics (formerly Invitae), Labcorp
Classification: Likely benign for Primary ciliary dyskinesia. Last evaluated: 2025-12-17. Review status: criteria provided, single submitter. Criteria: Invitae Variant Classification Sherloc (09022015). Collection method: clinical testing. Allele origin: germline.

GeneDx
Classification: Uncertain significance. Last evaluated: 2024-12-27. Review status: criteria provided, single submitter. Criteria: GeneDx Variant Classification Process June 2021. Collection method: clinical testing. Allele origin: germline. Affected: yes.
Comment: In silico analysis indicates that this missense variant does not alter protein structure/function; Has not been previously published as pathogenic or benign to our knowledge

ARUP Laboratories, Molecular Genetics and Genomics, ARUP Laboratories
Classification: Uncertain significance for Primary ciliary dyskinesia 7. Last evaluated: 2022-01-31. Review status: criteria provided, single submitter. Criteria: ARUP Molecular Germline Variant Investigation Process 2021. Collection method: clinical testing. Allele origin: germline.
Comment: The DNAH11 c.470G>A; p.Gly157Glu variant (rs185011953), to our knowledge, is not reported in the medical literature but is reported in ClinVar (Variation ID: 163093). This variant is found in the African population with an allele frequency of 0.2% (59/23,860 alleles) in the Genome Aggregation Database. The glycine at codon 157 is moderately conserved, and computational analyses predict that this variant is neutral (REVEL: 0.037). Given the lack of clinical and functional data, the significance of the p.Gly157Glu variant is uncertain at this time.

Ambry Genetics
Classification: Likely benign for Primary ciliary dyskinesia. Last evaluated: 2017-04-17. Review status: criteria provided, single submitter. Criteria: Ambry Variant Classification Scheme 2023. Collection method: clinical testing. Allele origin: germline.

Laboratory for Molecular Medicine, Mass General Brigham Personalized Medicine
Classification: Uncertain significance. Last evaluated: 2013-12-27. Review status: criteria provided, single submitter. Criteria: LMM Criteria. Collection method: clinical testing. Allele origin: germline. Observed: 1 variant allele.
Comment: Variant classified as Uncertain Significance - Favor Benign. The Gly157Glu varia nt in DNAH11 has not been previously identified in individuals with pulmonary di sease. This variant has been identified in 0.19% (7/3676) African American chrom osomes by the NHLBI Exome Sequencing Project (dbSNP rs185011953). The Glycine residue at this position is not well conserved across evolutionarily distant species, and the variant residue (Glutamic acid) h as been observed in two mammalian species (shrew and platypus). Additional compu tational analyses (biochemical amino acid properties, AlignGVGD, PolyPhen2, and SIFT) do not provide strong support for or against an impact to the protein. In summary, the lack of evolutionary conservation suggests that this variant may be more likely benign, but additional information is needed to fully assess its cl inical significance.